The following is an entry in ClinVar:

ClinVar aggregate classification (germline): Benign/Likely benign. Review status: criteria provided, multiple submitters, no conflicts (2 of 4 stars). 4 submissions from 4 submitters: Benign (2); Likely benign (2). Last evaluated 2024-04-05.

Conditions:
Hereditary pancreatitis (PCTT). Also called: PRSS1-Related Hereditary Pancreatitis; Hereditary chronic pancreatitis. Identifiers: Orphanet 676, MedGen C0238339, MONDO:0008185, OMIM 167800.

Submissions (4):

Labcorp Genetics (formerly Invitae), Labcorp
Classification: Likely benign for Hereditary pancreatitis. Last evaluated: 2024-04-05. Review status: criteria provided, single submitter. Criteria: Invitae Variant Classification Sherloc (09022015). Collection method: clinical testing. Allele origin: germline.

Sema4
Classification: Likely benign for Hereditary pancreatitis. Last evaluated: 2021-04-15. Review status: criteria provided, single submitter. Criteria: Sema4 Curation Guidelines. Collection method: curation. Allele origin: germline.

Women's Health and Genetics/Laboratory Corporation of America, LabCorp
Classification: Benign. Last evaluated: 2019-08-28. Review status: criteria provided, single submitter. Criteria: LabCorp Variant Classification Summary - May 2015. Collection method: clinical testing. Allele origin: germline.
Comment: Variant summary: PRSS1 c.40+40delC is located at a position not widely known to affect splicing. 5/5 computational tools predict no significant impact on normal splicing. However, these predictions have yet to be confirmed by functional studies. The variant allele was found at a frequency of 0.00022 in 250686 control chromosomes. The observed variant frequency is approximately 44 fold of the estimated maximal expected pathogenic allele frequency for a variant in PRSS1 causing Chronic Pancreatitis phenotype (5e-06), strongly suggesting that the variant is benign. c.40+40delC has been reported in the literature in an individual affected with Chronic Pancreatitis (Keiles_2006) without co-segregation data or strong evidence for causality. This report does not provide unequivocal conclusions about association of the variant with Chronic Pancreatitis. To our knowledge, no experimental evidence demonstrating an impact on protein function has been reported. Another clinical diagnostic laboratory has submitted a clinical-significance assessment for this variant to ClinVar (evaluation after 2014) and cited the variant as benign. Based on the evidence outlined above, the variant was classified as benign.

ARUP Laboratories, Molecular Genetics and Genomics, ARUP Laboratories
Classification: Benign. Last evaluated: 2018-12-31. Review status: criteria provided, single submitter. Criteria: ARUP Molecular Germline Variant Investigation Process. Collection method: clinical testing. Allele origin: germline.

Literature cited by the submitters: PubMed 17003641 (cited by Sema4 and Women's Health and Genetics/Laboratory Corporation of America, LabCorp); PubMed 20452997 (cited by Women's Health and Genetics/Laboratory Corporation of America, LabCorp); PubMed 20510827 (cited by Women's Health and Genetics/Laboratory Corporation of America, LabCorp); PubMed 24458023 (cited by Women's Health and Genetics/Laboratory Corporation of America, LabCorp).

NM_002769.5(PRSS1):c.40+40del

Genes: TRB (T cell receptor beta locus; plus strand), PRSS1 (serine protease 1; plus strand). Cytogenetic location: 7q34.
Variant type: Deletion.
Coding change: c.40+40del on transcript NM_002769.5 (MANE Select); 40 bases into the intron after coding-DNA position 40, one base deleted (C; older notation c.40+40delC).
Molecular consequence: intron variant.
Genome position (GRCh38, 1-based): chr7:142,749,564, C deleted; the last of 7 consecutive C bases (chr7:142,749,558-142,749,564); deleting any one gives the same sequence. VCF-style (leftmost placement, unchanged base first): chr7-142749557-AC-A. GRCh37 (hg19) VCF-style: chr7-142457408-AC-A.
Identifiers: ClinVar variation 440200 (VCV000440200.19), dbSNP rs748794481, ClinGen allele CA4529612.